The following is an entry in ClinVar:

NM_002769.5(PRSS1):c.521C>T (p.Ser174Phe)

Genes: TRB (T cell receptor beta locus; plus strand), PRSS1 (serine protease 1; plus strand). Cytogenetic location: 7q34.
Variant type: single nucleotide variant.
Coding change: c.521C>T on transcript NM_002769.5 (MANE Select); coding-DNA position 521, C replaced by T.
Protein change: p.Ser174Phe; replaces serine 174 with phenylalanine.
Molecular consequence: missense variant. On other transcripts: non-coding transcript variant (5).
Genome position (GRCh38, 1-based): chr7:142,752,497, C>T. VCF-style: chr7-142752497-C-T. GRCh37 (hg19) VCF-style: chr7-142460348-C-T.
Other names: short protein forms S174F.
Identifiers: ClinVar variation 1746152 (VCV001746152.2), dbSNP rs746669985, ClinGen allele CA4530049.

ClinVar aggregate classification (germline): Uncertain significance (1 of 4 stars; one submission).

Conditions:
Hereditary pancreatitis (PCTT). Also called: Hereditary chronic pancreatitis; PRSS1-Related Hereditary Pancreatitis. Identifiers: Orphanet 676, MedGen C0238339, MONDO:0008185, OMIM 167800.

Allele frequency attached by ClinVar (database versions not stated): gnomAD exomes below 0.00001; ExAC 0.00001.
gnomAD v4.1: 1 of 1,614,182 alleles (0.000062%); highest among the groups gnomAD compares: Middle Eastern, 0.016%; no homozygotes.

Submission:

Ambry Genetics
Classification: Uncertain significance for Hereditary pancreatitis. Last evaluated: 2022-03-16. Review status: criteria provided, single submitter. Criteria: Ambry Variant Classification Scheme 2023. Collection method: clinical testing. Allele origin: germline.
Comment: The p.S174F variant (also known as c.521C>T), located in coding exon 4 of the PRSS1 gene, results from a C to T substitution at nucleotide position 521. The serine at codon 174 is replaced by phenylalanine, an amino acid with highly dissimilar properties. This amino acid position is conserved. In addition, the in silico prediction for this alteration is inconclusive. Since supporting evidence is limited at this time, the clinical significance of this alteration remains unclear.